The following is an entry in ClinVar:

NM_006231.4(POLE):c.2659A>G (p.Lys887Glu)

Gene: POLE (DNA polymerase epsilon, catalytic subunit; minus strand). Cytogenetic location: 12q24.33.
Variant type: single nucleotide variant.
Coding change: c.2659A>G on transcript NM_006231.4 (MANE Select); coding-DNA position 2659, A replaced by G.
Protein change: p.Lys887Glu; replaces lysine 887 with glutamic acid.
Molecular consequence: missense variant.
Genome position (GRCh38, 1-based): chr12:132,664,051, T>C on the plus strand (A>G on the coding strand, the complement: POLE is on the minus strand). VCF-style: chr12-132664051-T-C. GRCh37 (hg19) VCF-style: chr12-133240637-T-C.
Other names: short protein forms K887E.
Identifiers: ClinVar variation 4669952 (VCV004669952.1).

ClinVar aggregate classification (germline): Uncertain significance (1 of 4 stars; one submission).

Conditions:
Hereditary cancer-predisposing syndrome. Also called: Neoplastic Syndromes, Hereditary; Tumor predisposition; Hereditary Cancer Syndrome; Hereditary neoplastic syndrome. Identifiers: Orphanet 140162, MedGen C0027672, MeSH D009386, MONDO:0015356.

gnomAD v4.1: 3 of 1,614,224 alleles (0.00019%); highest among the groups gnomAD compares: South Asian, 0.0033%; no homozygotes.

Submission:

Ambry Genetics
Classification: Uncertain significance for Hereditary cancer-predisposing syndrome. Last evaluated: 2025-11-02. Review status: criteria provided, single submitter. Criteria: Ambry Variant Classification Scheme 2023. Collection method: clinical testing. Allele origin: germline.
Comment: The p.K887E variant (also known as c.2659A>G), located in coding exon 23 of the POLE gene, results from an A to G substitution at nucleotide position 2659. The lysine at codon 887 is replaced by glutamic acid, an amino acid with similar properties. This amino acid position is conserved. In addition, this alteration is predicted to be tolerated by in silico analysis. Based on the available evidence, the clinical significance of this variant remains unclear.